The following is an entry in ClinVar:

NM_002017.5(FLI1):c.65C>T (p.Ala22Val)

Gene: FLI1 (Fli-1 proto-oncogene, ETS transcription factor; plus strand). Cytogenetic location: 11q24.3.
Variant type: single nucleotide variant.
Coding change: c.65C>T on transcript NM_002017.5 (MANE Select); coding-DNA position 65, C replaced by T.
Protein change: p.Ala22Val; replaces alanine 22 with valine.
Molecular consequence: missense variant. On other transcripts: 5 prime UTR variant (3).
Genome position (GRCh38, 1-based): chr11:128,758,161, C>T. VCF-style: chr11-128758161-C-T. GRCh37 (hg19) VCF-style: chr11-128628056-C-T.
Other names: c.-35C>T (NM_001167681.3); c.-305C>T (NM_001271010.2); c.-156C>T (NM_001271012.2); short protein forms A22V.
Identifiers: ClinVar variation 2766745 (VCV002766745.3), dbSNP rs771690679, ClinGen allele CA383233777.
Genomic context (GRCh38, chr11:128,758,161, plus strand): 5'-CTCTGGCCCTGCAGGAGGCTCTGTCGGTGGTGAGCGACGACCAGTCCCTCTTTGACTCAG[C>T]GTACGGAGCGGCAGCCCATCTCCCCAAGGCCGACATGACTGCCTCGGGGAGTCCTGACTA-3'
Protein context (NP_002008.2, residues 12-32): VSDDQSLFDS[Ala22Val]YGAAAHLPKA

ClinVar aggregate classification (germline): Uncertain significance (1 of 4 stars; one submission).

Allele frequency attached by ClinVar (database versions not stated): gnomAD 0.00001.

Submission:

Labcorp Genetics (formerly Invitae), Labcorp
Classification: Uncertain significance. Last evaluated: 2022-12-20. Review status: criteria provided, single submitter. Criteria: Invitae Variant Classification Sherloc (09022015). Collection method: clinical testing. Allele origin: germline.
Comment: This sequence change replaces alanine, which is neutral and non-polar, with valine, which is neutral and non-polar, at codon 22 of the FLI1 protein (p.Ala22Val). This variant is present in population databases (no rsID available, gnomAD 0.007%). This variant has not been reported in the literature in individuals affected with FLI1-related conditions. Advanced modeling of protein sequence and biophysical properties (such as structural, functional, and spatial information, amino acid conservation, physicochemical variation, residue mobility, and thermodynamic stability) performed at Invitae indicates that this missense variant is not expected to disrupt FLI1 protein function. In summary, the available evidence is currently insufficient to determine the role of this variant in disease. Therefore, it has been classified as a Variant of Uncertain Significance.